The following is an entry in ClinVar:

NM_000264.5(PTCH1):c.2389T>C (p.Tyr797His)

Genes: PTCH1 (patched 1; minus strand), LOC100507346 (uncharacterized LOC100507346; plus strand). Cytogenetic location: 9q22.32.
Variant type: single nucleotide variant.
Coding change: c.2389T>C on transcript NM_000264.5 (MANE Select); coding-DNA position 2389, T replaced by C.
Protein change: p.Tyr797His; replaces tyrosine 797 with histidine.
Molecular consequence: missense variant.
Genome position (GRCh38, 1-based): chr9:95,467,287, A>G on the plus strand (T>C on the coding strand, the complement: PTCH1 is on the minus strand). VCF-style: chr9-95467287-A-G. GRCh37 (hg19) VCF-style: chr9-98229569-A-G.
Other names: c.2191T>C, p.Tyr731His (NM_001083602.3); c.2386T>C, p.Tyr796His (NM_001083603.3); c.1936T>C, p.Tyr646His (NM_001083604.3, NM_001083605.3, NM_001083606.3 and 1 more transcripts); c.2233T>C, p.Tyr745His (NM_001354918.2); short protein forms Y796H, Y797H, Y646H, Y731H, Y745H.
Identifiers: ClinVar variation 3784609 (VCV003784609.1).
Genomic context (GRCh38, chr9:95,467,287, plus strand): 5'-GCTGGATATTCGGGTAGTCTGCTTTCTGGGTGACTATATACATGTTGTAGAAAGAAAAGT[A>G]TTTGAATTGTGCAGCAATAAAGTCATATTCTCTGGTTTCCCGAGGTACAATGTCCGTAAG-3'
Protein context (NP_000255.2, residues 787-807): EYDFIAAQFK[Tyr797His]FSFYNMYIVT

ClinVar aggregate classification (germline): Uncertain significance (1 of 4 stars; one submission).

Conditions:
Hereditary cancer-predisposing syndrome. Also called: Neoplastic Syndromes, Hereditary; Hereditary Cancer Syndrome; Tumor predisposition; Hereditary neoplastic syndrome. Identifiers: Orphanet 140162, MedGen C0027672, MeSH D009386, MONDO:0015356.

gnomAD v4.1: 7 of 1,614,118 alleles (0.00043%); highest among the groups gnomAD compares: South Asian, 0.0066%; no homozygotes.

Submission:

Ambry Genetics
Classification: Uncertain significance for Hereditary cancer-predisposing syndrome. Last evaluated: 2024-12-15. Review status: criteria provided, single submitter. Criteria: Ambry Variant Classification Scheme 2023. Collection method: clinical testing. Allele origin: germline.
Comment: The p.Y797H variant (also known as c.2389T>C), located in coding exon 15 of the PTCH1 gene, results from a T to C substitution at nucleotide position 2389. The tyrosine at codon 797 is replaced by histidine, an amino acid with similar properties. This amino acid position is conserved. In addition, the in silico prediction for this alteration is inconclusive. Based on the available evidence, the clinical significance of this variant remains unclear.